The following is an entry in ClinVar:

NM_000059.4(BRCA2):c.6149dup (p.Asn2051fs)

Gene: BRCA2 (BRCA2 DNA repair associated; plus strand). Cytogenetic location: 13q13.1.
Variant type: Duplication.
Coding change: c.6149dup on transcript NM_000059.4 (MANE Select); coding-DNA position 6149, one base duplicated (T; older notation c.6149dupT).
Protein change: p.Asn2051fs; shifts the reading frame from asparagine 2051.
Molecular consequence: frameshift variant.
Genome position (GRCh38, 1-based): chr13:32,340,504, T duplicated. VCF-style (leftmost placement, unchanged base first): chr13-32340503-G-GT. GRCh37 (hg19) VCF-style: chr13-32914640-G-GT.
Other names: c.6149dupT (NM_000059.3); short protein forms N2051fs.
Identifiers: ClinVar variation 545485 (VCV000545485.6), dbSNP rs1555284566, ClinGen allele CA658823698.

ClinVar aggregate classification (germline): Pathogenic/Likely pathogenic. Review status: criteria provided, multiple submitters, no conflicts (2 of 4 stars). 2 submissions from 2 submitters: Pathogenic (1); Likely pathogenic (1). Last evaluated 2024-04-15.

Conditions:
Hereditary breast ovarian cancer syndrome. Also called: Hereditary breast and ovarian cancer; Hereditary breast and/or ovarian cancer syndrome; Hereditary breast and ovarian cancer syndrome; Hereditary breast and ovarian cancer syndrome (HBOC); Breast and ovarian cancer; BRCA1- and BRCA2-Associated Hereditary Breast and Ovarian Cancer. Identifiers: Orphanet 145, MedGen C0677776, MeSH D061325, MONDO:0003582. Disease mechanism: loss of function.
Breast cancer, susceptibility to. Identifiers: MedGen C3469522. Disease mechanism: gain of function.

Submissions (2):

Labcorp Genetics (formerly Invitae), Labcorp
Classification: Pathogenic for Hereditary breast ovarian cancer syndrome. Last evaluated: 2024-04-15. Review status: criteria provided, single submitter. Criteria: Invitae Variant Classification Sherloc (09022015). Collection method: clinical testing. Allele origin: germline.
Comment: This sequence change creates a premature translational stop signal (p.Asn2051Lysfs*9) in the BRCA2 gene. It is expected to result in an absent or disrupted protein product. Loss-of-function variants in BRCA2 are known to be pathogenic (PMID: 20104584). This variant is not present in population databases (gnomAD no frequency). This premature translational stop signal has been observed in individual(s) with breast cancer (PMID: 25480878, 28724667, 31825140). ClinVar contains an entry for this variant (Variation ID: 545485). For these reasons, this variant has been classified as Pathogenic.

Cancer Molecular Diagnostics Core, Tianjin Medical University Cancer Institute and Hospital
Classification: Likely pathogenic for Breast cancer, susceptibility to. Last evaluated: 2018-03-25. Review status: criteria provided, single submitter. Criteria: ACMG Guidelines, 2015. Collection method: research. Allele origin: germline. Affected: yes. Observed: 1 variant allele.

Literature cited by the submitters: PubMed 20104584 (cited by Labcorp Genetics (formerly Invitae), Labcorp); PubMed 25480878 (cited by Labcorp Genetics (formerly Invitae), Labcorp); PubMed 28724667 (cited by Labcorp Genetics (formerly Invitae), Labcorp); PubMed 31825140 (cited by Labcorp Genetics (formerly Invitae), Labcorp).